The following is an entry in ClinVar:

NM_022047.4(DEF6):c.1094_1126dup (p.Glu375_Arg376insGlnLeuLeuGlnGluAlaGlnArgGlnAlaGlu)

Gene: DEF6 (DEF6 guanine nucleotide exchange factor; plus strand). Cytogenetic location: 6p21.31.
Variant type: Duplication.
Coding change: c.1094_1126dup on transcript NM_022047.4 (MANE Select); coding-DNA positions 1094 to 1126, 33 bases duplicated.
Protein change: p.Glu375_Arg376insGlnLeuLeuGlnGluAlaGlnArgGlnAlaGlu.
Molecular consequence: inframe insertion.
Genome position (GRCh38, 1-based): chr6:35,318,350-35,318,382, 33 bases duplicated. GRCh37 (hg19): chr6:35,286,127-35,286,159.
Identifiers: ClinVar variation 1494357 (VCV001494357.8), dbSNP rs2150388875, ClinGen allele CA2573140308.

ClinVar aggregate classification (germline): Uncertain significance (1 of 4 stars; one submission).

Submission:

Labcorp Genetics (formerly Invitae), Labcorp
Classification: Uncertain significance. Last evaluated: 2021-05-28. Review status: criteria provided, single submitter. Criteria: Invitae Variant Classification Sherloc (09022015). Collection method: clinical testing. Allele origin: germline.
Comment: In summary, the available evidence is currently insufficient to determine the role of this variant in disease. Therefore, it has been classified as a Variant of Uncertain Significance. This variant, c.1094_1126dup, results in the insertion of 11 amino acid(s) to the DEF6 protein (p.Glu375_Arg376insGlnLeuLeuGlnGluAlaGlnArgGlnAlaGlu), but otherwise preserves the integrity of the reading frame. The frequency data for this variant in the population databases is considered unreliable, as metrics indicate insufficient coverage at this position in the ExAC database. This variant has not been reported in the literature in individuals with DEF6-related conditions. Experimental studies and prediction algorithms are not available or were not evaluated, and the functional significance of this variant is currently unknown.